The following is an entry in ClinVar:

NM_006648.4(WNK2):c.401A>C (p.Glu134Ala)

Gene: WNK2 (WNK lysine deficient protein kinase 2; plus strand). Cytogenetic location: 9q22.31.
Variant type: single nucleotide variant.
Coding change: c.401A>C on transcript NM_006648.4 (MANE Select); coding-DNA position 401, A replaced by C.
Protein change: p.Glu134Ala; replaces glutamic acid 134 with alanine.
Molecular consequence: missense variant.
Genome position (GRCh38, 1-based): chr9:93,185,330, A>C. VCF-style: chr9-93185330-A-C. GRCh37 (hg19) VCF-style: chr9-95947612-A-C.
Other names: c.401A>C, p.Glu134Ala (NM_001282394.3); short protein forms E134A.
Identifiers: ClinVar variation 4866636 (VCV004866636.1).
Genomic context (GRCh38, chr9:93,185,330, plus strand): 5'-CCGGCCCCGAGCCCGTGGGCACGCAGGAGCCCGGCCCGGACCCCATCGCAGCCGCTGTCG[A>C]AACCGCGCCTGCCCCCGACGGCGGCCCCAGGGAGGAGGCGGCGGCGACCGTGAGGAAGGA-3'
Protein context (NP_006639.3, residues 124-144): PGPDPIAAAV[Glu134Ala]TAPAPDGGPR

ClinVar aggregate classification (germline): Uncertain significance (1 of 4 stars; one submission).

Submission:

Ambry Genetics
Classification: Uncertain significance. Last evaluated: 2026-04-28. Review status: criteria provided, single submitter. Criteria: Ambry Variant Classification Scheme 2023. Collection method: clinical testing. Allele origin: germline.
Comment: The p.E134A variant (also known as c.401A>C), located in coding exon 1 of the WNK2 gene, results from an A to C substitution at nucleotide position 401. The glutamic acid at codon 134 is replaced by alanine, an amino acid with dissimilar properties. This amino acid position is conserved. In addition, this alteration is predicted to be tolerated by in silico analysis. Based on the available evidence, the clinical significance of this variant remains unclear.